The following is an entry in ClinVar:

NM_000238.4(KCNH2):c.2281_2285del (p.Thr761fs)

Gene: KCNH2 (potassium voltage-gated channel subfamily H member 2; minus strand). Cytogenetic location: 7q36.1.
Variant type: Deletion.
Coding change: c.2281_2285del on transcript NM_000238.4 (MANE Select); coding-DNA positions 2281 to 2285, 5 bases deleted (ACACA; older notation c.2281_2285delACACA).
Protein change: p.Thr761fs; shifts the reading frame from threonine 761.
Molecular consequence: frameshift variant. On other transcripts: non-coding transcript variant (2).
Genome position (GRCh38, 1-based): chr7:150,950,281-150,950,285, TGTGT deleted on the plus strand (ACACA on the coding strand, the reverse complement: KCNH2 is on the minus strand). VCF-style (leftmost placement, unchanged base first): chr7-150950280-ATGTGT-A. GRCh37 (hg19) VCF-style: chr7-150647368-ATGTGT-A.
Other names: c.1981_1985del, p.Thr661fs (NM_001406757.1); c.2281_2285del, p.Thr761fs (NM_172056.3); c.1261_1265del, p.Thr421fs (NM_172057.3, NM_001204798.2); c.1993_1997del, p.Thr665fs (NM_001406753.1, NM_001406756.1); c.2104_2108del, p.Thr702fs (NM_001406755.1); short protein forms T421fs, T761fs, T661fs, T665fs, T702fs.
Identifiers: ClinVar variation 5007178 (VCV005007178.2).

ClinVar aggregate classification (germline): Likely pathogenic (1 of 4 stars; one submission).

Conditions:
Long QT syndrome 2 (LQT2). Identifiers: Orphanet 101016, Orphanet 768, MedGen C3150943, MONDO:0013367, OMIM 613688.

Submission:

Juno Genomics, Hangzhou Juno Genomics, Inc
Classification: Likely pathogenic for Long QT syndrome 2. Review status: criteria provided, single submitter. Criteria: ACMG Guidelines, 2015. Collection method: clinical testing. Allele origin: germline.
Comment: Null variant in a gene where loss of function (LOF) is a known mechanism of disease.;Absent from controls (or at extremely low frequency if recessive) in Genome Aggregation Database.